The following is an entry in ClinVar:

NM_002742.3(PRKD1):c.2005A>C (p.Met669Leu)

Gene: PRKD1 (protein kinase D1; minus strand). Cytogenetic location: 14q12.
Variant type: single nucleotide variant.
Coding change: c.2005A>C on transcript NM_002742.3 (MANE Select); coding-DNA position 2005, A replaced by C.
Protein change: p.Met669Leu; replaces methionine 669 with leucine.
Molecular consequence: missense variant.
Genome position (GRCh38, 1-based): chr14:29,599,718, T>G on the plus strand (A>C on the coding strand, the complement: PRKD1 is on the minus strand). VCF-style: chr14-29599718-T-G. GRCh37 (hg19) VCF-style: chr14-30068924-T-G.
Other names: c.2029A>C, p.Met677Leu (NM_001330069.2); c.1741A>C, p.Met581Leu (NM_001348390.1); short protein forms M581L, M677L, M669L.
Identifiers: ClinVar variation 4991613 (VCV004991613.1).
Genomic context (GRCh38, chr14:29,599,718, plus strand): 5'-GAGTAATTAAAAACTTCGTTATGTGCTCTGGCAACCTGCCCTTTTCACTTGACAAGATCA[T>G]TTCCAGCATGTCTCCATGGAGTTTTTCCATAACAACAAACACTCTTTCAGGCGTCTCAAA-3'
Protein context (NP_002733.2, residues 659-679): MEKLHGDMLE[Met669Leu]ILSSEKGRLP

ClinVar aggregate classification (germline): Uncertain significance (1 of 4 stars; one submission).

Conditions:
PRKD1-related disorder. Also called: PRKD1-related condition.

Submission:

PreventionGenetics, part of Exact Sciences
Classification: Uncertain significance for PRKD1-related condition. Last evaluated: 2025-10-28. Review status: criteria provided, single submitter. Criteria: ACMG Guidelines, 2015. Collection method: clinical testing. Allele origin: germline.
Comment: The PRKD1 c.2029A>C variant is predicted to result in the amino acid substitution p.Met677Leu. To our knowledge, this variant has not been reported in the literature or in a large population database (gnomAD), indicating this variant is rare. At this time, the clinical significance of this variant is uncertain due to the absence of conclusive functional and genetic evidence.